The following is an entry in ClinVar:

ClinVar aggregate classification (germline): Uncertain significance (1 of 4 stars; one submission).

Conditions:
LAMA2-related muscular dystrophy (LAMA2-RD). Also called: Laminin alpha 2-related dystrophy. Identifiers: MedGen C5679788, MONDO:0100228.

Allele frequency attached by ClinVar (database versions not stated): gnomAD exomes 0.00001.
gnomAD v4.1: 7 of 1,614,068 alleles (0.00043%); highest among the groups gnomAD compares: Non-Finnish European, 0.00059%; no homozygotes.

Submission:

Labcorp Genetics (formerly Invitae), Labcorp
Classification: Uncertain significance for LAMA2-related muscular dystrophy. Last evaluated: 2022-07-06. Review status: criteria provided, single submitter. Criteria: Invitae Variant Classification Sherloc (09022015). Collection method: clinical testing. Allele origin: germline.
Comment: This sequence change replaces glycine, which is neutral and non-polar, with valine, which is neutral and non-polar, at codon 1278 of the LAMA2 protein (p.Gly1278Val). This variant is not present in population databases (gnomAD no frequency). This variant has not been reported in the literature in individuals affected with LAMA2-related conditions. ClinVar contains an entry for this variant (Variation ID: 1478641). Advanced modeling of protein sequence and biophysical properties (such as structural, functional, and spatial information, amino acid conservation, physicochemical variation, residue mobility, and thermodynamic stability) performed at Invitae indicates that this missense variant is not expected to disrupt LAMA2 protein function. In summary, the available evidence is currently insufficient to determine the role of this variant in disease. Therefore, it has been classified as a Variant of Uncertain Significance.

NM_000426.4(LAMA2):c.3833G>T (p.Gly1278Val)

Gene: LAMA2 (laminin subunit alpha 2; plus strand). Cytogenetic location: 6q22.33.
Variant type: single nucleotide variant.
Coding change: c.3833G>T on transcript NM_000426.4 (MANE Select); coding-DNA position 3833, G replaced by T.
Protein change: p.Gly1278Val; replaces glycine 1278 with valine.
Molecular consequence: missense variant.
Genome position (GRCh38, 1-based): chr6:129,315,859, G>T. VCF-style: chr6-129315859-G-T. GRCh37 (hg19) VCF-style: chr6-129637004-G-T.
Other names: c.3833G>T, p.Gly1278Val (NM_001079823.2); short protein forms G1278V.
Identifiers: ClinVar variation 1478641 (VCV001478641.3), dbSNP rs2114502298, ClinGen allele CA365613376.